The following is an entry in ClinVar:

NM_000297.4(PKD2):c.1658A>G (p.Tyr553Cys)

Gene: PKD2 (polycystin 2, transient receptor potential cation channel; plus strand). Cytogenetic location: 4q22.1.
Variant type: single nucleotide variant.
Coding change: c.1658A>G on transcript NM_000297.4 (MANE Select); coding-DNA position 1658, A replaced by G.
Protein change: p.Tyr553Cys; replaces tyrosine 553 with cysteine.
Molecular consequence: missense variant. On other transcripts: non-coding transcript variant (1).
Genome position (GRCh38, 1-based): chr4:88,052,100, A>G. VCF-style: chr4-88052100-A-G. GRCh37 (hg19) VCF-style: chr4-88973252-A-G.
Other names: short protein forms Y553C.
Identifiers: ClinVar variation 1420174 (VCV001420174.8), dbSNP rs752554282, ClinGen allele CA3004013.

ClinVar aggregate classification (germline): Uncertain significance (1 of 4 stars; one submission).

Conditions:
Autosomal dominant polycystic kidney disease. Identifiers: Orphanet 730, MedGen C0085413, MONDO:0004691.

Allele frequency attached by ClinVar (database versions not stated): gnomAD 0.00001; TOPMed 0.00001; gnomAD exomes 0.00003; ExAC 0.00006.

Submission:

Labcorp Genetics (formerly Invitae), Labcorp
Classification: Uncertain significance for Autosomal dominant polycystic kidney disease. Last evaluated: 2025-12-13. Review status: criteria provided, single submitter. Criteria: Invitae Variant Classification Sherloc (09022015). Collection method: clinical testing. Allele origin: germline.
Comment: This sequence change replaces tyrosine, which is neutral and polar, with cysteine, which is neutral and slightly polar, at codon 553 of the PKD2 protein (p.Tyr553Cys). This variant is present in population databases (rs752554282, gnomAD 0.007%). This variant has not been reported in the literature in individuals affected with PKD2-related conditions. ClinVar contains an entry for this variant (Variation ID: 1420174). Invitae Evidence Modeling of protein sequence and biophysical properties (such as structural, functional, and spatial information, amino acid conservation, physicochemical variation, residue mobility, and thermodynamic stability) indicates that this missense variant is expected to disrupt PKD2 protein function with a positive predictive value of 80%. In summary, the available evidence is currently insufficient to determine the role of this variant in disease. Therefore, it has been classified as a Variant of Uncertain Significance.